The following is an entry in ClinVar:

NM_024577.4(SH3TC2):c.1887C>A (p.Ser629Arg)

Gene: SH3TC2 (SH3 domain and tetratricopeptide repeats 2; minus strand). Cytogenetic location: 5q32.
Variant type: single nucleotide variant.
Coding change: c.1887C>A on transcript NM_024577.4 (MANE Select); coding-DNA position 1887, C replaced by A.
Protein change: p.Ser629Arg; replaces serine 629 with arginine.
Molecular consequence: missense variant.
Genome position (GRCh38, 1-based): chr5:149,027,845, G>T on the plus strand (C>A on the coding strand, the complement: SH3TC2 is on the minus strand). VCF-style: chr5-149027845-G-T. GRCh37 (hg19) VCF-style: chr5-148407408-G-T.
Other names: short protein forms S629R.
Identifiers: ClinVar variation 3629527 (VCV003629527.2).

ClinVar aggregate classification (germline): Uncertain significance (1 of 4 stars; one submission).

Submission:

Women's Health and Genetics/Laboratory Corporation of America, LabCorp
Classification: Uncertain significance. Last evaluated: 2024-11-27. Review status: criteria provided, single submitter. Criteria: LabCorp Variant Classification Summary - May 2015. Collection method: clinical testing. Allele origin: germline.
Comment: Variant summary: SH3TC2 c.1887C>A (p.Ser629Arg) results in a non-conservative amino acid change in the encoded protein sequence. Four of five in-silico tools predict a benign effect of the variant on protein function. The variant was absent in 250154 control chromosomes. The available data on variant occurrences in the general population are insufficient to allow any conclusion about variant significance. To our knowledge, no occurrence of c.1887C>A in individuals affected with Charcot-Marie-Tooth disease type 4C and no experimental evidence demonstrating its impact on protein function have been reported. No submitters have cited clinical-significance assessments for this variant to ClinVar. Based on the evidence outlined above, the variant was classified as uncertain significance.